The following is an entry in ClinVar:

ClinVar aggregate classification (germline): Pathogenic (1 of 4 stars; one submission).

Conditions:
Primary ciliary dyskinesia. Also called: Ciliary dyskinesia. Identifiers: Orphanet 244, MedGen C0008780, MONDO:0016575, HP:0012265.

Submission:

Labcorp Genetics (formerly Invitae), Labcorp
Classification: Pathogenic for Primary ciliary dyskinesia. Last evaluated: 2022-06-27. Review status: criteria provided, single submitter. Criteria: Invitae Variant Classification Sherloc (09022015). Collection method: clinical testing. Allele origin: germline.
Comment: This sequence change creates a premature translational stop signal (p.Gln341Argfs*10) in the DNAAF1 gene. It is expected to result in an absent or disrupted protein product. Loss-of-function variants in DNAAF1 are known to be pathogenic (PMID: 19944400, 19944405). For these reasons, this variant has been classified as Pathogenic. ClinVar contains an entry for this variant (Variation ID: 939833). This premature translational stop signal has been observed in individual(s) with neural tube defects (PMID: 27543293). The frequency data for this variant in the population databases is considered unreliable, as metrics indicate poor data quality at this position in the gnomAD database.

Literature cited by the submitters: PubMed 19944400; PubMed 19944405; PubMed 27543293.

NM_178452.6(DNAAF1):c.1018_1019del (p.Gln341fs)

Gene: DNAAF1 (dynein axonemal assembly factor 1; plus strand). Cytogenetic location: 16q24.1.
Variant type: Microsatellite.
Coding change: c.1018_1019del on transcript NM_178452.6 (MANE Select); coding-DNA positions 1018 to 1019, 2 bases deleted (AG; older notation c.1018_1019delAG).
Protein change: p.Gln341fs; shifts the reading frame from glutamine 341.
Molecular consequence: frameshift variant.
Genome position (GRCh38, 1-based): chr16:84,165,937-84,165,938, AG deleted; deleting any 2 consecutive bases within chr16:84,165,929-84,165,938 gives the same sequence; the c. name uses the placement nearest the transcript's 3' end. VCF-style (leftmost placement, unchanged base first): chr16-84165928-CAG-C. GRCh37 (hg19) VCF-style: chr16-84199534-CAG-C.
Other names: c.262_263del, p.Gln89fs (NM_001318756.1); short protein forms Q341fs, Q89fs.
Identifiers: ClinVar variation 939833 (VCV000939833.8), dbSNP rs1567555007, ClinGen allele CA623850222.